The following is an entry in ClinVar:

NM_001267550.2(TTN):c.99474del (p.Thr33159fs)

Genes: TTN (titin; minus strand), TTN-AS1 (TTN antisense RNA 1; plus strand). Cytogenetic location: 2q31.2.
Variant type: Deletion.
Coding change: c.99474del on transcript NM_001267550.2 (MANE Select); coding-DNA position 99474, one base deleted (T; older notation c.99474delT).
Protein change: p.Thr33159fs; shifts the reading frame from threonine 33159.
Molecular consequence: frameshift variant.
Genome position (GRCh38, 1-based): chr2:178,537,733, A deleted on the plus strand (T on the coding strand, the reverse complement: TTN is on the minus strand); the first of 2 consecutive A bases (chr2:178,537,733-178,537,734); deleting either gives the same sequence. VCF-style (leftmost placement, unchanged base first): chr2-178537732-TA-T. GRCh37 (hg19) VCF-style: chr2-179402459-TA-T.
Other names: c.94551del, p.Thr31518fs (NM_001256850.1); c.72279del, p.Thr24094fs (NM_003319.4); c.91770del, p.Thr30591fs (NM_133378.4); c.72654del, p.Thr24219fs (NM_133432.3); c.72855del, p.Thr24286fs (NM_133437.4); short protein forms T24094fs, T24219fs, T24286fs, T30591fs, T31518fs, T33159fs.
Identifiers: ClinVar variation 3753076 (VCV003753076.2).

ClinVar aggregate classification (germline): Likely pathogenic (1 of 4 stars; one submission).

Conditions:
Autosomal recessive limb-girdle muscular dystrophy type 2J (LGMDR10). Also called: Limb-girdle muscular dystrophy, type 2J; MUSCULAR DYSTROPHY, LIMB-GIRDLE, AUTOSOMAL RECESSIVE 10. Identifiers: Orphanet 140922, MedGen C1837342, MONDO:0012127, OMIM 608807.
Dilated cardiomyopathy 1G (CMD1G). Identifiers: Orphanet 154, MedGen C1858763, MONDO:0011400, OMIM 604145.

Submission:

Labcorp Genetics (formerly Invitae), Labcorp
Classification: Likely pathogenic for Dilated cardiomyopathy 1G; Autosomal recessive limb-girdle muscular dystrophy type 2J. Last evaluated: 2024-05-21. Review status: criteria provided, single submitter. Criteria: Invitae Variant Classification Sherloc (09022015). Collection method: clinical testing. Allele origin: germline.
Comment: This sequence change creates a premature translational stop signal (p.Thr33159Glnfs*2) in the TTN gene. While this is not anticipated to result in nonsense mediated decay, it is expected to create a truncated TTN protein. This variant is not present in population databases (gnomAD no frequency). This variant has not been reported in the literature in individuals affected with TTN-related conditions. This variant is located in the A band of TTN (PMID: 25589632). Truncating variants in this region are significantly overrepresented in patients affected with dilated cardiomyopathy (PMID: 25589632). Truncating variants in this region have also been reported in individuals affected with autosomal recessive centronuclear myopathy (PMID: 23975875). In summary, the currently available evidence indicates that the variant is pathogenic, but additional data are needed to prove that conclusively. Therefore, this variant has been classified as Likely Pathogenic.

Literature cited by the submitters: PubMed 25589632; PubMed 23975875.